The following is an entry in ClinVar:

ClinVar aggregate classification (germline): Uncertain significance. Review status: criteria provided, multiple submitters, no conflicts (2 of 4 stars). 2 submissions from 2 submitters: Uncertain significance (2). Last evaluated 2025-05-29.

Conditions:
Inborn genetic diseases. Identifiers: MedGen C0950123, MeSH D030342.

Allele frequency attached by ClinVar (database versions not stated): gnomAD exomes 0.00001; gnomAD 0.00001; TOPMed 0.00001.

Submissions (2):

Ambry Genetics
Classification: Uncertain significance for Inborn genetic diseases. Last evaluated: 2025-05-29. Review status: criteria provided, single submitter. Criteria: Ambry Variant Classification Scheme 2023. Collection method: clinical testing. Allele origin: germline.

Labcorp Genetics (formerly Invitae), Labcorp
Classification: Uncertain significance. Last evaluated: 2022-10-24. Review status: criteria provided, single submitter. Criteria: Invitae Variant Classification Sherloc (09022015). Collection method: clinical testing. Allele origin: germline.
Comment: This sequence change replaces serine, which is neutral and polar, with phenylalanine, which is neutral and non-polar, at codon 353 of the LCT protein (p.Ser353Phe). This variant is not present in population databases (gnomAD no frequency). This variant has not been reported in the literature in individuals affected with LCT-related conditions. Algorithms developed to predict the effect of missense changes on protein structure and function are either unavailable or do not agree on the potential impact of this missense change (SIFT: "Not Available"; PolyPhen-2: "Benign"; Align-GVGD: "Not Available"). In summary, the available evidence is currently insufficient to determine the role of this variant in disease. Therefore, it has been classified as a Variant of Uncertain Significance.

NM_002299.4(LCT):c.1058C>T (p.Ser353Phe)

Genes: LCT (lactase; minus strand), LOC126806353 (BRD4-independent group 4 enhancer GRCh37_chr2:136574960-136576159; plus strand). Cytogenetic location: 2q21.3.
Variant type: single nucleotide variant.
Coding change: c.1058C>T on transcript NM_002299.4 (MANE Select); coding-DNA position 1058, C replaced by T.
Protein change: p.Ser353Phe; replaces serine 353 with phenylalanine.
Molecular consequence: missense variant.
Genome position (GRCh38, 1-based): chr2:135,817,990, G>A on the plus strand (C>T on the coding strand, the complement: LCT is on the minus strand). VCF-style: chr2-135817990-G-A. GRCh37 (hg19) VCF-style: chr2-136575560-G-A.
Other names: short protein forms S353F.
Identifiers: ClinVar variation 1912819 (VCV001912819.5), dbSNP rs1464179881, ClinGen allele CA348607191.